The following is an entry in ClinVar:

NM_001365088.1(SLC12A6):c.316G>C (p.Asp106His)

Gene: SLC12A6 (solute carrier family 12 member 6; minus strand). Cytogenetic location: 15q14.
Variant type: single nucleotide variant.
Coding change: c.316G>C on transcript NM_001365088.1 (MANE Select); coding-DNA position 316, G replaced by C.
Protein change: p.Asp106His; replaces aspartic acid 106 with histidine.
Molecular consequence: missense variant. On other transcripts: intron variant (1).
Genome position (GRCh38, 1-based): chr15:34,275,345, C>G on the plus strand (G>C on the coding strand, the complement: SLC12A6 is on the minus strand). VCF-style: chr15-34275345-C-G. GRCh37 (hg19) VCF-style: chr15-34567546-C-G.
Other names: c.139G>C, p.Asp47His (NM_001042494.2, NM_001042495.2); c.289G>C, p.Asp97His (NM_001042496.2); c.163G>C, p.Asp55His (NM_005135.2); c.316G>C, p.Asp106His (NM_133647.2); c.272-14325G>C (NM_001042497.2); short protein forms D106H, D47H, D55H, D97H.
Identifiers: ClinVar variation 4848025 (VCV004848025.1).

ClinVar aggregate classification (germline): Uncertain significance (1 of 4 stars; one submission).

gnomAD v4.1: 1 of 1,488,886 alleles (0.000067%); highest among the groups gnomAD compares: Non-Finnish European, 0.000094%; no homozygotes.

Submission:

Women's Health and Genetics/Laboratory Corporation of America, LabCorp
Classification: Uncertain significance. Last evaluated: 2026-02-05. Review status: criteria provided, single submitter. Criteria: LabCorp Variant Classification Summary - May 2015. Collection method: clinical testing. Allele origin: germline.
Comment: Variant summary: SLC12A6 c.316G>C (p.Asp106His) results in a non-conservative amino acid change in the encoded protein sequence. Algorithms developed to predict the effect of missense changes on protein structure and function are either unavailable or do not agree on the potential impact of this missense change. Several computational tools predict a significant impact on normal splicing: One predicts the variant abolishes a 5' splicing donor site. One predicts the variant weakens a 5' donor site. However, these predictions have yet to be confirmed by functional studies. The variant was absent in 250454 control chromosomes. The available data on variant occurrences in the general population are insufficient to allow any conclusion about variant significance. To our knowledge, no occurrence of c.316G>C in individuals affected with SLC12A6-related conditions and no experimental evidence demonstrating its impact on protein function have been reported. No submitters have cited clinical-significance assessments for this variant to ClinVar. Based on the evidence outlined above, the variant was classified as uncertain significance.